The following is an entry in ClinVar:

NM_003722.5(TP63):c.797G>A (p.Arg266Gln)

Gene: TP63 (tumor protein p63; plus strand). Cytogenetic location: 3q28.
Variant type: single nucleotide variant.
Coding change: c.797G>A on transcript NM_003722.5 (MANE Select); coding-DNA position 797, G replaced by A.
Protein change: p.Arg266Gln; replaces arginine 266 with glutamine.
Molecular consequence: missense variant.
Genome position (GRCh38, 1-based): chr3:189,866,712, G>A. VCF-style: chr3-189866712-G-A. GRCh37 (hg19) VCF-style: chr3-189584501-G-A.
Other names: R227Q; c.797G>A, p.Arg266Gln (NM_001114978.2, NM_001114979.2, NM_001329144.2 and 1 more transcripts); c.515G>A, p.Arg172Gln (NM_001114980.2, NM_001114981.2, NM_001114982.2 and 2 more transcripts); c.260G>A, p.Arg87Gln (NM_001329146.2, NM_001329150.2); c.791G>A, p.Arg264Gln (NM_001329964.2); short protein forms R266Q, R264Q, R172Q, R87Q.
Identifiers: ClinVar variation 6550 (VCV000006550.11), dbSNP rs121908849, ClinGen allele CA118348.

ClinVar aggregate classification (germline): Pathogenic/Likely pathogenic. Review status: criteria provided, multiple submitters, no conflicts (2 of 4 stars). 9 submissions from 8 submitters: Pathogenic (4); Likely pathogenic (1). 4 of the submissions do not count toward it. Last evaluated 2025-02-24.

Conditions:
TP63-related disorder. Also called: TP63-related condition; TP63-Related Disorders. Identifiers: MedGen CN380159.
TP63-Related Spectrum Disorders.
ADULT syndrome. Also called: ACRO-DERMATO-UNGUAL-LACRIMAL-TOOTH SYNDROME; Acro-dermato-ungual-lacrimal-tooth (adult) syndrome; Acro-Dermo-Ungual-Lacrimal-Tooth Syndrome (ADULT Syndrome). Identifiers: Orphanet 978, MedGen C1863204, MONDO:0007072, OMIM 103285.
Ectrodactyly, ectodermal dysplasia, and cleft lip-palate syndrome 3. Also called: Ectrodactyly, Ectodermal Dysplasia, Clefting Syndrome; EEC SYNDROME 3; Ectrodactyly, Ectodermal Dysplasia, Clefting Syndrome Type 3 (EEC3); Ectrodactyly, Ectodermal Dysplasia, Cleft Lip/Palate Syndrome 3 (EEC3). Identifiers: Orphanet 1896, MedGen C1858562, MONDO:0011428, OMIM 604292.

Submissions (9):

GeneDx
Classification: Pathogenic. Last evaluated: 2025-02-24. Review status: criteria provided, single submitter. Criteria: GeneDx Variant Classification Process June 2021. Collection method: clinical testing. Allele origin: germline. Affected: yes.
Comment: Published functional studies demonstrate a damaging effect as the R226Q variant enhanced transactivation and regulation of mRNA and protein targets (PMID: 18626511); Not observed at significant frequency in large population cohorts (gnomAD); In silico analysis supports that this missense variant has a deleterious effect on protein structure/function; Also known as p.R227Q; This variant is associated with the following publications: (PMID: 21204238, 23736768, 17041931, 11462173, 17431922, 26075610, 38357259, 37072394, 17224651, 21652629, 18626511)

Blueprint Genetics
Classification: Pathogenic for TP63-related disorders. Last evaluated: 2024-04-05. Review status: criteria provided, single submitter. Criteria: ACMG Guidelines, 2015. Collection method: clinical testing. Allele origin: germline. Affected: yes. Observed: 5 variant alleles.

3billion
Classification: Pathogenic for Ectrodactyly, ectodermal dysplasia, and cleft lip-palate syndrome 3. Last evaluated: 2023-09-18. Review status: criteria provided, single submitter. Criteria: ACMG Guidelines, 2015. Collection method: clinical testing. Allele origin: germline. Affected: yes.
Comment: The variant is not observed in the gnomAD v2.1.1 dataset. Predicted Consequence/Location: Missense changes are a common disease-causing mechanism. In silico tool predictions suggest damaging effect of the variant on gene or gene product [REVEL: 0.84 (>=0.6, sensitivity 0.68 and specificity 0.92); 3Cnet: 0.97 (>=0.6, sensitivity 0.72 and precision 0.9)]. Same nucleotide change resulting in same amino acid change has been previously reported as pathogenic/likely pathogenic with strong evidence (ClinVar ID: VCV000006550 /PMID: 11462173). Different missense changes at the same codon (p.Arg266Leu, p.Arg266Pro) have been reported to be associated with TP63 related disorder (ClinVar ID: VCV000030348, VCV001486558 /PMID: 21204238). Therefore, this variant is classified as Pathogenic according to the recommendation of ACMG/AMP guideline.

Labcorp Genetics (formerly Invitae), Labcorp
Classification: Pathogenic. Last evaluated: 2022-08-07. Review status: criteria provided, single submitter. Criteria: Invitae Variant Classification Sherloc (09022015). Collection method: clinical testing. Allele origin: germline.
Comment: For these reasons, this variant has been classified as Pathogenic. Experimental studies are conflicting or provide insufficient evidence to determine the effect of this variant on TP63 function (PMID: 18626511). This sequence change replaces arginine, which is basic and polar, with glutamine, which is neutral and polar, at codon 266 of the TP63 protein (p.Arg266Gln). This variant is not present in population databases (gnomAD no frequency). This missense change has been observed in individual(s) with TP63-related conditions (PMID: 11462173). It has also been observed to segregate with disease in related individuals. This variant is also known as R227Q. ClinVar contains an entry for this variant (Variation ID: 6550). Algorithms developed to predict the effect of missense changes on protein structure and function are either unavailable or do not agree on the potential impact of this missense change (SIFT: "Deleterious"; PolyPhen-2: "Benign"; Align-GVGD: "Class C35").

MGZ Medical Genetics Center
Classification: Likely pathogenic for Ectrodactyly, ectodermal dysplasia, and cleft lip-palate syndrome 3. Last evaluated: 2022-04-04. Review status: criteria provided, single submitter. Criteria: ACMG Guidelines, 2015. Collection method: clinical testing. Allele origin: germline. Affected: yes. Observed: 1 variant allele.
Comment: ACMG criteria applied: PS4, PS3_SUP, PM2_SUP, PP3

Gharavi Laboratory, Columbia University
Classification: Pathogenic. Last evaluated: 2018-09-16. Review status: no assertion criteria provided. Criteria: ACMG Guidelines, 2015. Collection method: research. Allele origin: germline. Affected: yes. Not counted in ClinVar's aggregate classification.

OMIM
Classification: Pathogenic for ECTRODACTYLY, ECTODERMAL DYSPLASIA, AND CLEFT LIP/PALATE SYNDROME 3. Last evaluated: 2011-01-01. Review status: no assertion criteria provided. Collection method: literature only. Allele origin: germline. Not counted in ClinVar's aggregate classification.

OMIM
Classification: Pathogenic for ADULT SYNDROME. Last evaluated: 2011-01-01. Review status: no assertion criteria provided. Collection method: literature only. Allele origin: germline. Not counted in ClinVar's aggregate classification.

Bioscientia Institut fuer Medizinische Diagnostik GmbH, Sonic Healthcare
Classification: Pathogenic for Ectrodactyly, ectodermal dysplasia, and cleft lip-palate syndrome 3. Review status: no assertion criteria provided. Collection method: clinical testing. Allele origin: germline. Affected: yes. Not counted in ClinVar's aggregate classification.

Literature cited by the submitters: PubMed 11462173 (cited by 3 submitters); PubMed 21204238 (cited by 3billion and OMIM); PubMed 18626511 (cited by Labcorp Genetics (formerly Invitae), Labcorp); PubMed 9443880 (cited by OMIM); PubMed 8737655 (cited by OMIM); PubMed 17041931 (cited by OMIM); PubMed 17431922 (cited by OMIM).